The following is an entry in ClinVar:

ClinVar aggregate classification (germline): Uncertain significance. Review status: criteria provided, multiple submitters, no conflicts (2 of 4 stars). 3 submissions from 3 submitters: Uncertain significance (3). Last evaluated 2025-04-08.

Conditions:
Inborn genetic diseases. Identifiers: MedGen C0950123, MeSH D030342.
Polyglucosan body myopathy type 1 (PGBM1). Also called: Polyglucosan body myopathy 1 with or without immunodeficiency; POLYGLUCOSAN BODY MYOPATHY WITHOUT IMMUNODEFICIENCY. Identifiers: Orphanet 329173, Orphanet 397937, MedGen C4014605, MONDO:0014389, OMIM 615895.

Allele frequency attached by ClinVar (database versions not stated): gnomAD 0.00002; TOPMed 0.00002.
gnomAD v4.1: 26 of 1,608,538 alleles (0.0016%); highest among the groups gnomAD compares: East Asian, 0.051%; no homozygotes.

Submissions (3):

Ambry Genetics
Classification: Uncertain significance for Inborn genetic diseases. Last evaluated: 2025-04-08. Review status: criteria provided, single submitter. Criteria: Ambry Variant Classification Scheme 2023. Collection method: clinical testing. Allele origin: germline.

Blueprint Genetics
Classification: Uncertain significance. Last evaluated: 2024-06-28. Review status: criteria provided, single submitter. Criteria: ACMG Guidelines, 2015. Collection method: clinical testing. Allele origin: germline.

Labcorp Genetics (formerly Invitae), Labcorp
Classification: Uncertain significance for Polyglucosan body myopathy type 1. Last evaluated: 2023-03-23. Review status: criteria provided, single submitter. Criteria: Invitae Variant Classification Sherloc (09022015). Collection method: clinical testing. Allele origin: germline.
Comment: In summary, the available evidence is currently insufficient to determine the role of this variant in disease. Therefore, it has been classified as a Variant of Uncertain Significance. Advanced modeling of protein sequence and biophysical properties (such as structural, functional, and spatial information, amino acid conservation, physicochemical variation, residue mobility, and thermodynamic stability) performed at Invitae indicates that this missense variant is not expected to disrupt RBCK1 protein function. ClinVar contains an entry for this variant (Variation ID: 959094). This variant has not been reported in the literature in individuals affected with RBCK1-related conditions. This variant is present in population databases (rs747821371, gnomAD 0.1%). This sequence change replaces arginine, which is basic and polar, with glycine, which is neutral and non-polar, at codon 183 of the RBCK1 protein (p.Arg183Gly).

NM_031229.4(RBCK1):c.547C>G (p.Arg183Gly)

Gene: RBCK1 (RANBP2-type and C3HC4-type zinc finger containing 1; plus strand). Cytogenetic location: 20p13.
Variant type: single nucleotide variant.
Coding change: c.547C>G on transcript NM_031229.4 (MANE Select); coding-DNA position 547, C replaced by G.
Protein change: p.Arg183Gly; replaces arginine 183 with glycine.
Molecular consequence: missense variant. On other transcripts: non-coding transcript variant (1).
Genome position (GRCh38, 1-based): chr20:419,433, C>G. VCF-style: chr20-419433-C-G. GRCh37 (hg19) VCF-style: chr20-400077-C-G.
Other names: c.198C>G, p.Asp66Glu (NM_001323956.2, NM_001323958.2); c.421C>G, p.Arg141Gly (NM_006462.6); c.547C>G (NM_031229.2); short protein forms D66E, R183G, R141G.
Identifiers: ClinVar variation 959094 (VCV000959094.11), dbSNP rs747821371, ClinGen allele CA9723118.